The following is an entry in ClinVar:

NM_002666.5(PLIN1):c.-5C>T

Gene: PLIN1 (perilipin 1; minus strand). Cytogenetic location: 15q26.1.
Variant type: single nucleotide variant.
Coding change: c.-5C>T on transcript NM_002666.5 (MANE Select); 5 bases upstream of the start codon, C replaced by T.
Molecular consequence: 5 prime UTR variant.
Genome position (GRCh38, 1-based): chr15:89,677,494, G>A on the plus strand (C>T on the coding strand, the complement: PLIN1 is on the minus strand). VCF-style: chr15-89677494-G-A. GRCh37 (hg19) VCF-style: chr15-90220725-G-A.
Other names: c.-5C>T (NM_001145311.2).
Identifiers: ClinVar variation 3058079 (VCV003058079.2), dbSNP rs773172966, ClinGen allele CA7729184.

ClinVar aggregate classification (germline): Likely benign (0 of 4 stars; one submission).

Conditions:
PLIN1-related disorder. Also called: PLIN1-related condition.

Allele frequency attached by ClinVar (database versions not stated): ExAC 0.00001; TOPMed 0.00001; gnomAD 0.00003.

Submission:

PreventionGenetics, part of Exact Sciences
Classification: Likely benign for PLIN1-related condition. Last evaluated: 2019-02-28. Review status: no assertion criteria provided. Collection method: clinical testing. Allele origin: germline.
Comment: This variant is classified as likely benign based on ACMG/AMP sequence variant interpretation guidelines (Richards et al. 2015 PMID: 25741868, with internal and published modifications).